The following is an entry in ClinVar:

NM_000268.4(NF2):c.-204C>A

Genes: NF2 (NF2, moesin-ezrin-radixin like (MERLIN) tumor suppressor; plus strand), LOC130067184 (ATAC-STARR-seq lymphoblastoid silent region 13595; plus strand). Cytogenetic location: 22q12.2.
Variant type: single nucleotide variant.
Coding change: c.-204C>A on transcript NM_000268.4 (MANE Select); 204 bases upstream of the start codon, C replaced by A.
Molecular consequence: 5 prime UTR variant. On other transcripts: non-coding transcript variant (1).
Genome position (GRCh38, 1-based): chr22:29,603,795, C>A. VCF-style: chr22-29603795-C-A. GRCh37 (hg19) VCF-style: chr22-29999784-C-A.
Other names: c.-204C>A (NM_016418.5, NM_181825.3, NM_181828.3 and 5 more transcripts).
Identifiers: ClinVar variation 341065 (VCV000341065.7), dbSNP rs1800539, ClinGen allele CA10645235.

ClinVar aggregate classification (germline): Benign. Review status: criteria provided, multiple submitters, no conflicts (2 of 4 stars). 3 submissions from 3 submitters: Benign (3). Last evaluated 2018-06-19.

Conditions:
Neurofibromatosis, type 2 (SWNV). Also called: SCHWANNOMATOSIS, VESTIBULAR; BILATERAL ACOUSTIC NEUROFIBROMATOSIS; NF2-Related Schwannomatosis. Identifiers: Orphanet 637, MedGen C0027832, MONDO:0007039, OMIM 101000. Disease mechanism: loss of function.

Allele frequency attached by ClinVar (database versions not stated): gnomAD 0.34127 and 0.34482; TOPMed 0.34296; 1000 Genomes Project 30x 0.34681; 1000 Genomes Project 0.35184; gnomAD exomes 0.35907.
gnomAD v4.1: 203,087 of 571,324 alleles (36%); highest among the groups gnomAD compares: South Asian, 51%; 37,610 homozygotes.

Submissions (3):

GeneDx
Classification: Benign. Last evaluated: 2018-06-19. Review status: criteria provided, single submitter. Criteria: GeneDx Variant Classification (06012015). Collection method: clinical testing. Allele origin: germline. Affected: yes.
Comment: This variant is considered likely benign or benign based on one or more of the following criteria: it is a conservative change, it occurs at a poorly conserved position in the protein, it is predicted to be benign by multiple in silico algorithms, and/or has population frequency not consistent with disease.

Illumina Laboratory Services, Illumina
Classification: Benign for Neurofibromatosis, type 2. Last evaluated: 2018-01-12. Review status: criteria provided, single submitter. Criteria: ICSL Variant Classification Criteria 13 December 2019. Collection method: clinical testing. Allele origin: germline.
Comment: This variant was observed in the ICSL laboratory as part of a predisposition screen in an ostensibly healthy population. It had not been previously curated by ICSL or reported in the Human Gene Mutation Database (HGMD: prior to June 1st, 2018), and was therefore a candidate for classification through an automated scoring system. Utilizing variant allele frequency, disease prevalence and penetrance estimates, and inheritance mode, an automated score was calculated to assess if this variant is too frequent to cause the disease. Based on the score and internal cut-off values, a variant classified as benign is not then subjected to further curation. The score for this variant resulted in a classification of benign for this disease.

Breakthrough Genomics
Classification: Benign. Review status: criteria provided, single submitter. Criteria: ACMG Guidelines, 2015. Collection method: not provided. Allele origin: germline. Inheritance: Autosomal dominant inheritance. Affected: yes.